The following is an entry in ClinVar:

NM_001256317.3(TMPRSS3):c.999del (p.Asp334fs)

Gene: TMPRSS3 (transmembrane serine protease 3; minus strand). Cytogenetic location: 21q22.3.
Variant type: Deletion.
Coding change: c.999del on transcript NM_001256317.3 (MANE Select); coding-DNA position 999, one base deleted (C; older notation c.999delC).
Protein change: p.Asp334fs; shifts the reading frame from aspartic acid 334.
Molecular consequence: frameshift variant.
Genome position (GRCh38, 1-based): chr21:42,380,166, G deleted on the plus strand (C on the coding strand, the reverse complement: TMPRSS3 is on the minus strand); the first of 4 consecutive G bases (chr21:42,380,166-42,380,169); deleting any one gives the same sequence. VCF-style (leftmost placement, unchanged base first): chr21-42380165-CG-C. GRCh37 (hg19) VCF-style: chr21-43800274-CG-C.
Other names: c.999del, p.Asp334fs (NM_024022.4); c.618del, p.Asp207fs (NM_032404.3); c.999delC (NM_001256317.3); c.999del (NM_024022.3); short protein forms D334fs, D207fs.
Identifiers: ClinVar variation 2138389 (VCV002138389.7), dbSNP rs748150602, ClinGen allele CA10042377.

ClinVar aggregate classification (germline): Pathogenic/Likely pathogenic. Review status: criteria provided, multiple submitters, no conflicts (2 of 4 stars). 4 submissions from 4 submitters: Pathogenic (2); Likely pathogenic (2). Last evaluated 2026-01-12.

Conditions:
Autosomal recessive nonsyndromic hearing loss 8 (DFNB8). Also called: NEUROSENSORY NONSYNDROMIC RECESSIVE DEAFNESS 8; Deafness, autosomal recessive 10. Identifiers: Orphanet 90636, MedGen C1832827, MONDO:0010987, OMIM 601072.
TMPRSS3-related disorder. Also called: TMPRSS3-related condition.

Submissions (4):

Labcorp Genetics (formerly Invitae), Labcorp
Classification: Pathogenic. Last evaluated: 2026-01-12. Review status: criteria provided, single submitter. Criteria: Invitae Variant Classification Sherloc (09022015). Collection method: clinical testing. Allele origin: germline.
Comment: This sequence change creates a premature translational stop signal (p.Asp334Metfs*24) in the TMPRSS3 gene. It is expected to result in an absent or disrupted protein product. Loss-of-function variants in TMPRSS3 are known to be pathogenic (PMID: 16021470, 26969326). This variant is present in population databases (rs748150602, gnomAD 0.0009%). This premature translational stop signal has been observed in individual(s) with sensorineural deafness (PMID: 28566687). ClinVar contains an entry for this variant (Variation ID: 2138389). For these reasons, this variant has been classified as Pathogenic.

Fulgent Genetics
Classification: Likely pathogenic for Autosomal recessive nonsyndromic hearing loss 8. Last evaluated: 2024-06-08. Review status: criteria provided, single submitter. Criteria: ACMG Guidelines, 2015. Collection method: clinical testing. Allele origin: germline.

Blueprint Genetics
Classification: Likely pathogenic for TMPRSS3-related disorders. Last evaluated: 2023-12-28. Review status: criteria provided, single submitter. Criteria: ACMG Guidelines, 2015. Collection method: clinical testing. Allele origin: germline. Affected: yes. Observed: 2 variant alleles.

King Laboratory, University of Washington
Classification: Pathogenic for Autosomal recessive nonsyndromic hearing loss 8. Last evaluated: 2023-02-28. Review status: criteria provided, single submitter. Criteria: Li et al. (Genet Med. 2022). Collection method: research. Allele origin: unknown. Affected: yes.
Comment: This variant occurred in compound heterozygosity with a TMPRSS3 frameshift variant in two siblings with bilateral sensorineural hearing loss of onset <18 years, in a study of pediatric hearing loss conducted by the King Laboratory (Carlson RJ et al. JAMA-OtoHNS 2023). These siblings’ have a maternal half-aunt with childhood-onset hearing loss, and the family has no other history of hearing loss. This variant is a single base pair deletion that leads to a frameshift which is predicted to lead to the addition of 23 incorrect amino acids resulting in a premature stop at codon 357 of the 454-amino acid TMPRSS3 protein. As of January 2023, this variant has not been reported to ClinVar and is not found on gnomAD. Based on the prediction that the variant leads to protein truncation, compound heterozygosity with a loss-of-function variant, co-segregation with the phenotype in the family, and goodness of fit of genotype to phenotype, we conclude that this variant is pathogenic.

Literature cited by the submitters: PubMed 16021470 (cited by Labcorp Genetics (formerly Invitae), Labcorp); PubMed 26969326 (cited by Labcorp Genetics (formerly Invitae), Labcorp); PubMed 28566687 (cited by Labcorp Genetics (formerly Invitae), Labcorp); PubMed 36633841 (cited by King Laboratory, University of Washington).